The following is an entry in ClinVar:

NM_032119.4(ADGRV1):c.7844G>C (p.Gly2615Ala)

Gene: ADGRV1 (adhesion G protein-coupled receptor V1; plus strand). Cytogenetic location: 5q14.3.
Variant type: single nucleotide variant.
Coding change: c.7844G>C on transcript NM_032119.4 (MANE Select); coding-DNA position 7844, G replaced by C.
Protein change: p.Gly2615Ala; replaces glycine 2615 with alanine.
Molecular consequence: missense variant. On other transcripts: non-coding transcript variant (1).
Genome position (GRCh38, 1-based): chr5:90,694,600, G>C. VCF-style: chr5-90694600-G-C. GRCh37 (hg19) VCF-style: chr5-89990417-G-C.
Other names: short protein forms G2615A.
Identifiers: ClinVar variation 4989059 (VCV004989059.1).

ClinVar aggregate classification (germline): Uncertain significance (1 of 4 stars; one submission).

Conditions:
ADGRV1-related disorder. Also called: ADGRV1-related disorders; ADGRV1-related condition.

gnomAD v4.1: 1 of 1,613,844 alleles (0.000062%); highest among the groups gnomAD compares: Admixed American, 0.0017%; no homozygotes.

Submission:

PreventionGenetics, part of Exact Sciences
Classification: Uncertain significance for ADGRV1-related condition. Last evaluated: 2025-01-10. Review status: criteria provided, single submitter. Criteria: ACMG Guidelines, 2015. Collection method: clinical testing. Allele origin: germline.
Comment: The ADGRV1 c.7844G>C variant is predicted to result in the amino acid substitution p.Gly2615Ala. To our knowledge, this variant has not been reported in the literature. This variant is reported in 0.0029% of alleles in individuals of Latino descent in gnomAD. At this time, the clinical significance of this variant is uncertain due to the absence of conclusive functional and genetic evidence.